The following is an entry in ClinVar:

NM_001122630.2(CDKN1C):c.*5+23_*5+24dup

Gene: CDKN1C (cyclin dependent kinase inhibitor 1C; minus strand). Cytogenetic location: 11p15.4.
Variant type: Duplication.
Coding change: c.*5+23_*5+24dup on transcript NM_001122630.2 (MANE Select); bases 23 to 24 of the intron after 5 bases downstream of the stop codon, 2 bases duplicated (GG; older notation c.*5+23_*5+24dupGG).
Molecular consequence: intron variant.
Genome position (GRCh38, 1-based): chr11:2,883,975-2,883,976, CC duplicated on the plus strand (GG on the coding strand, the reverse complement: CDKN1C is on the minus strand); duplicating any 2 consecutive bases within chr11:2,883,975-2,883,981 gives the same sequence; the c. name uses the placement nearest the transcript's 3' end. VCF-style (leftmost placement, unchanged base first): chr11-2883974-G-GCC. GRCh37 (hg19) VCF-style: chr11-2905204-G-GCC.
Other names: c.391+23_391+24dup (NM_001362475.2); c.*5+23_*5+24dup (NM_001122631.2, NM_001362474.2, NM_000076.2).
Identifiers: ClinVar variation 2641505 (VCV002641505.25), dbSNP rs34289096, ClinGen allele CA5822123.

ClinVar aggregate classification (germline): Likely benign. Review status: criteria provided, multiple submitters, no conflicts (2 of 4 stars). 2 submissions from 2 submitters: Likely benign (2). Last evaluated 2026-09-01.

Submissions (2):

CeGaT Center for Human Genetics Tuebingen
Classification: Likely benign. Last evaluated: 2026-09-01. Review status: criteria provided, single submitter. Criteria: CeGaT Center For Human Genetics Tuebingen Variant Classification Criteria Version 2. Collection method: clinical testing. Allele origin: germline. Affected: yes. Observed: 26 variant alleles.
Comment: CDKN1C: BS1

Blueprint Genetics
Classification: Likely benign. Last evaluated: 2024-11-27. Review status: criteria provided, single submitter. Criteria: ACMG Guidelines, 2015. Collection method: clinical testing. Allele origin: germline.